The following is an entry in ClinVar:

NM_005902.4(SMAD3):c.207-261A>G

Gene: SMAD3 (SMAD family member 3; plus strand). Cytogenetic location: 15q22.33.
Variant type: single nucleotide variant.
Coding change: c.207-261A>G on transcript NM_005902.4 (MANE Select); 261 bases into the intron before coding-DNA position 207, A replaced by G.
Molecular consequence: intron variant.
Genome position (GRCh38, 1-based): chr15:67,164,634, A>G. VCF-style: chr15-67164634-A-G. GRCh37 (hg19) VCF-style: chr15-67456972-A-G.
Other names: c.-109-261A>G (NM_001145102.2); c.75-261A>G (NM_001145103.2).
Identifiers: ClinVar variation 673744 (VCV000673744.1), dbSNP rs188879376, ClinGen allele CA272378561.
Genomic context (GRCh38, chr15:67,164,634, plus strand): 5'-ACAACTGAAGTGACTGAAGTGCGGGCCCTTCCCATGGAATGCCACTCCCTGAAGAGCAGT[A>G]CAAAGTTGGGGAACCCACCGGGGACTGGTGGGTGAGGCCCGCTCTGCCAGCTGGGAGTCC-3'

ClinVar aggregate classification (germline): Likely benign (1 of 4 stars; one submission).

Allele frequency attached by ClinVar (database versions not stated): 1000 Genomes Project 0.00160; 1000 Genomes Project 30x 0.00172; TOPMed 0.00434; gnomAD 0.00621 and 0.00645.
gnomAD v4.1: 936 of 152,302 alleles (0.61%); highest among the groups gnomAD compares: Non-Finnish European, 0.8%; 6 homozygotes.

Submission:

GeneDx
Classification: Likely benign. Last evaluated: 2018-06-16. Review status: criteria provided, single submitter. Criteria: GeneDx Variant Classification (06012015). Collection method: clinical testing. Allele origin: germline. Affected: yes.
Comment: This variant is considered likely benign or benign based on one or more of the following criteria: it is a conservative change, it occurs at a poorly conserved position in the protein, it is predicted to be benign by multiple in silico algorithms, and/or has population frequency not consistent with disease.